The following is an entry in ClinVar:

ClinVar aggregate classification (germline): Uncertain significance (1 of 4 stars; one submission).

Conditions:
Charcot-Marie-Tooth disease type 2E (CMT2E). Also called: CHARCOT-MARIE-TOOTH DISEASE, AXONAL, TYPE 2E; CHARCOT-MARIE-TOOTH NEUROPATHY, TYPE 2E. Identifiers: Orphanet 99939, MedGen C1843225, MONDO:0011894, OMIM 607684.

Submission:

Labcorp Genetics (formerly Invitae), Labcorp
Classification: Uncertain significance for Charcot-Marie-Tooth disease type 2E. Last evaluated: 2020-04-23. Review status: criteria provided, single submitter. Criteria: Invitae Variant Classification Sherloc (09022015). Collection method: clinical testing. Allele origin: germline.
Comment: This variant is a gross deletion of the genomic region encompassing exon(s) 2-4 of the NEFL gene. The 5' boundary is likely confined to intron 1. The 3' end of this event is unknown as it extends through the termination codon beyond the assayed region for this gene and may encompass additional genes. While this deletion is not anticipated to result in nonsense mediated decay, it is expected to create a truncated protein product or disrupt mRNA translation. This variant has not been reported in the literature in individuals with NEFL-related conditions. In summary, the available evidence is currently insufficient to determine the role of this variant in disease. Therefore, it has been classified as a Variant of Uncertain Significance.

NC_000008.10:g.(?_24810313)_(24811829_?)del

Gene: NEFL (neurofilament light chain; minus strand). Cytogenetic location: 8p21.2.
Variant type: Deletion.
Identifiers: ClinVar variation 1015497 (VCV001015497.1).